The following is an entry in ClinVar:

ClinVar aggregate classification (germline): Conflicting classifications of pathogenicity. Review status: criteria provided, conflicting classifications (1 of 4 stars). 5 submissions from 5 submitters: Uncertain significance (3); Likely benign (1). 1 of the submissions does not count toward it. Last evaluated 2026-01-06.

Conditions:
NEK2-related disorder. Also called: NEK2-related condition.
Retinal dystrophy. Also called: Inherited retinal dystrophy. Identifiers: Orphanet 71862, MedGen C0854723, MeSH D058499, MONDO:0019118, HP:0000556.

Allele frequency attached by ClinVar (database versions not stated): ESP Exome Variant Server 0.00038; gnomAD 0.00060 and 0.00063; gnomAD exomes 0.00062 and 0.00078; ExAC 0.00070; TOPMed 0.00080; 1000 Genomes Project 0.00140; 1000 Genomes Project 30x 0.00141.
gnomAD v4.1: 1,051 of 1,614,136 alleles (0.065%); highest among the groups gnomAD compares: Middle Eastern, 0.94%; 6 homozygotes.

Submissions (6):

Labcorp Genetics (formerly Invitae), Labcorp
Classification: Uncertain significance. Last evaluated: 2026-01-06. Review status: criteria provided, single submitter. Criteria: Invitae Variant Classification Sherloc (09022015). Collection method: clinical testing. Allele origin: germline.
Comment: This sequence change replaces glycine, which is neutral and non-polar, with aspartic acid, which is acidic and polar, at codon 134 of the NEK2 protein (p.Gly134Asp). This variant is present in population databases (rs146297864, gnomAD 0.2%), and has an allele count higher than expected for a pathogenic variant. This missense change has been observed in individual(s) with clinical features of NEK2-related conditions (PMID: 32483926). ClinVar contains an entry for this variant (Variation ID: 1020287). An algorithm developed to predict the effect of missense changes on protein structure and function (PolyPhen-2) suggests that this variant is likely to be tolerated. In summary, the available evidence is currently insufficient to determine the role of this variant in disease. Therefore, it has been classified as a Variant of Uncertain Significance.

Blueprint Genetics
Classification: Likely benign. Last evaluated: 2024-11-20. Review status: criteria provided, single submitter. Criteria: ACMG Guidelines, 2015. Collection method: clinical testing. Allele origin: germline.

Institute of Human Genetics, Univ. Regensburg, Univ. Regensburg
Classification: Uncertain significance for Retinal dystrophy. Last evaluated: 2023-01-01. Review status: criteria provided, single submitter. Criteria: ACMG Guidelines, 2015. Collection method: clinical testing. Allele origin: germline. Affected: yes.

Breakthrough Genomics
Classification: Uncertain significance. Review status: criteria provided, single submitter. Criteria: ACMG Guidelines, 2015. Collection method: not provided. Allele origin: germline. Inheritance: Autosomal recessive inheritance. Affected: yes.

PreventionGenetics, part of Exact Sciences
Classification: Likely benign for NEK2-related condition. Last evaluated: 2024-07-24. Review status: no assertion criteria provided. Collection method: clinical testing. Allele origin: germline. Not counted in ClinVar's aggregate classification.
Comment: This variant is classified as likely benign based on ACMG/AMP sequence variant interpretation guidelines (Richards et al. 2015 PMID: 25741868, with internal and published modifications).

Dr. Peter K. Rogan Lab, Western University
No classification provided (evidence only). Condition: Malignant lymphoma, large B-cell, diffuse. Review status: no classification provided. Collection method: in vitro. Allele origin: not applicable. Functional consequence: retained intron. Not counted in ClinVar's aggregate classification.

Literature cited by the submitters: PubMed 32483926 (cited by Labcorp Genetics (formerly Invitae), Labcorp and Institute of Human Genetics, Univ. Regensburg, Univ. Regensburg); PubMed 3667284 (cited by Institute of Human Genetics, Univ. Regensburg, Univ. Regensburg).

NM_002497.4(NEK2):c.401G>A (p.Gly134Asp)

Gene: NEK2 (NIMA related kinase 2; minus strand). Cytogenetic location: 1q32.3.
Variant type: single nucleotide variant.
Coding change: c.401G>A on transcript NM_002497.4 (MANE Select); coding-DNA position 401, G replaced by A.
Protein change: p.Gly134Asp; replaces glycine 134 with aspartic acid.
Molecular consequence: missense variant.
Genome position (GRCh38, 1-based): chr1:211,673,637, C>T on the plus strand (G>A on the coding strand, the complement: NEK2 is on the minus strand). VCF-style: chr1-211673637-C-T. GRCh37 (hg19) VCF-style: chr1-211846979-C-T.
Other names: c.401G>A (NM_002497.3); c.401G>A, p.Gly134Asp (NM_001204182.2, NM_001204183.2); short protein forms G134D.
Identifiers: ClinVar variation 1020287 (VCV001020287.16), dbSNP rs146297864, ClinGen allele CA1381696.